The following is an entry in ClinVar:

NM_002578.5(PAK3):c.713A>C (p.Asp238Ala)

Gene: PAK3 (p21 (RAC1) activated kinase 3; plus strand). Cytogenetic location: Xq23.
Variant type: single nucleotide variant.
Coding change: c.713A>C on transcript NM_002578.5 (MANE Select); coding-DNA position 713, A replaced by C.
Protein change: p.Asp238Ala; replaces aspartic acid 238 with alanine.
Molecular consequence: missense variant. On other transcripts: non-coding transcript variant (2).
Genome position (GRCh38, 1-based): chrX:111,163,674, A>C. VCF-style: chrX-111163674-A-C. GRCh37 (hg19) VCF-style: chrX-110406902-A-C.
Other names: c.713A>C, p.Asp238Ala (NM_001128166.3, NM_001128167.3, NM_001324325.2 and 5 more transcripts); c.821A>C, p.Asp274Ala (NM_001128168.3); c.776A>C, p.Asp259Ala (NM_001128172.2); c.758A>C, p.Asp253Ala (NM_001128173.3, NM_001324327.2, NM_001324328.2 and 2 more transcripts); short protein forms D238A, D253A, D259A, D274A.
Identifiers: ClinVar variation 1314496 (VCV001314496.2), dbSNP rs761542913, ClinGen allele CA414236815.
Genomic context (GRCh38, chrX:111,163,674, plus strand): 5'-AAGAGGTCACACCACCCTCTGCTGAAAATGCCAATTCCAGTACTTTGTACAGGAACACAG[A>C]TCGGCAAAGAAAAAAATCCAAGATGACAGATGAGGAGATCTTAGAGAAGCTAAGTGAGTA-3'
Protein context (NP_002569.1, residues 228-248): ANSSTLYRNT[Asp238Ala]RQRKKSKMTD

ClinVar aggregate classification (germline): Uncertain significance (1 of 4 stars; one submission).

Allele frequency attached by ClinVar (database versions not stated): gnomAD exomes below 0.00001.
gnomAD v4.1: 2 of 1,204,648 alleles (0.00017%); highest among the groups gnomAD compares: Non-Finnish European, 0.00022%; no homozygotes.

Submission:

GeneDx
Classification: Uncertain significance. Last evaluated: 2021-04-08. Review status: criteria provided, single submitter. Criteria: GeneDx Variant Classification Process June 2021. Collection method: clinical testing. Allele origin: germline. Affected: yes.
Comment: Not observed in large population cohorts (Lek et al., 2016); In silico analysis supports that this missense variant has a deleterious effect on protein structure/function; Has not been previously published as pathogenic or benign to our knowledge